The following is an entry in ClinVar:

ClinVar aggregate classification (germline): Pathogenic (1 of 4 stars; one submission).

Conditions:
GM3 synthase deficiency (SPDRS). Also called: AMISH INFANTILE EPILEPSY SYNDROME; SALT AND PEPPER MENTAL RETARDATION SYNDROME; SALT AND PEPPER DEVELOPMENTAL REGRESSION SYNDROME. Identifiers: Orphanet 171714, Orphanet 370933, MedGen C1836824, MONDO:0018274, OMIM 609056.

Submission:

Labcorp Genetics (formerly Invitae), Labcorp
Classification: Pathogenic for GM3 synthase deficiency. Last evaluated: 2023-08-22. Review status: criteria provided, single submitter. Criteria: Invitae Variant Classification Sherloc (09022015). Collection method: clinical testing. Allele origin: unknown.
Comment: This variant has not been reported in the literature in individuals affected with ST3GAL5-related conditions. This variant is a gross deletion of the genomic region encompassing exon(s) 4-5 of the ST3GAL5 gene. This variant would be expected to be in-frame, preserving the integrity of the reading frame. This variant disrupts a region of the ST3GAL5 protein in which other variant(s) (p.Gly201Arg) have been determined to be pathogenic (PMID: 27232954). This suggests that this is a clinically significant region of the protein, and that variants that disrupt it are likely to be disease-causing. For these reasons, this variant has been classified as Pathogenic.

Literature cited by the submitters: PubMed 27232954.

NC_000002.11:g.(?_86073480)_(86075347_?)del

Gene: ST3GAL5 (ST3 beta-galactoside alpha-2,3-sialyltransferase 5; minus strand). Cytogenetic location: 2p11.2.
Variant type: Deletion.
Identifiers: ClinVar variation 3247237 (VCV003247237.1).